The following is an entry in ClinVar:

ClinVar aggregate classification (germline): Uncertain significance (1 of 4 stars; one submission).

Conditions:
Hereditary cancer-predisposing syndrome. Also called: Hereditary Cancer Syndrome; Hereditary neoplastic syndrome; Neoplastic Syndromes, Hereditary; Tumor predisposition. Identifiers: Orphanet 140162, MedGen C0027672, MeSH D009386, MONDO:0015356.

Submission:

Ambry Genetics
Classification: Uncertain significance for Hereditary cancer-predisposing syndrome. Last evaluated: 2024-02-23. Review status: criteria provided, single submitter. Criteria: Ambry Variant Classification Scheme 2023. Collection method: clinical testing. Allele origin: germline.
Comment: The p.E461A variant (also known as c.1382A>C), located in coding exon 9 of the MEN1 gene, results from an A to C substitution at nucleotide position 1382. The glutamic acid at codon 461 is replaced by alanine, an amino acid with dissimilar properties. This amino acid position is conserved. In addition, the in silico prediction for this alteration is inconclusive. Since supporting evidence is limited at this time, the clinical significance of this alteration remains unclear.

NM_001370259.2(MEN1):c.1382A>C (p.Glu461Ala)

Gene: MEN1 (menin 1; minus strand). Cytogenetic location: 11q13.1.
Variant type: single nucleotide variant.
Coding change: c.1382A>C on transcript NM_001370259.2 (MANE Select); coding-DNA position 1382, A replaced by C.
Protein change: p.Glu461Ala; replaces glutamic acid 461 with alanine.
Molecular consequence: missense variant.
Genome position (GRCh38, 1-based): chr11:64,804,785, T>G on the plus strand (A>C on the coding strand, the complement: MEN1 is on the minus strand). VCF-style: chr11-64804785-T-G. GRCh37 (hg19) VCF-style: chr11-64572257-T-G.
Other names: c.1397A>C, p.Glu466Ala (NM_000244.4, NM_001407145.1, NM_130800.3 and 4 more transcripts); c.1508A>C, p.Glu503Ala (NM_001370251.2, NM_001407142.1, NM_001407143.1 and 1 more transcripts); c.1382A>C, p.Glu461Ala (NM_001370260.2, NM_001370261.2, NM_001407146.1 and 2 more transcripts); c.1277A>C, p.Glu426Ala (NM_001370262.2, NM_001370263.2, NM_001407148.1 and 1 more transcripts); c.1523A>C, p.Glu508Ala (NM_001407150.1); c.1403A>C, p.Glu468Ala (NM_001407151.1); c.1217A>C, p.Glu406Ala (NM_001407152.1); short protein forms E508A, E406A, E466A, E461A, E426A, E468A, E503A.
Identifiers: ClinVar variation 1771310 (VCV001771310.2), dbSNP rs2136093260, ClinGen allele CA381179781.